The following is an entry in ClinVar:

ClinVar aggregate classification (germline): Likely benign. Review status: criteria provided, single submitter (1 of 4 stars). 2 submissions from 2 submitters: Likely benign (1). 1 of the submissions does not count toward it. Last evaluated 2024-09-01.

Conditions:
IQCE-related disorder. Also called: IQCE-related condition.

Allele frequency attached by ClinVar (database versions not stated): 1000 Genomes Project 0.00160; ESP Exome Variant Server 0.00167; 1000 Genomes Project 30x 0.00172.
gnomAD v4.1: 5,266 of 1,613,800 alleles (0.33%); highest among the groups gnomAD compares: Non-Finnish European, 0.35%; 16 homozygotes.

Submissions (2):

CeGaT Center for Human Genetics Tuebingen
Classification: Likely benign. Last evaluated: 2024-09-01. Review status: criteria provided, single submitter. Criteria: CeGaT Center For Human Genetics Tuebingen Variant Classification Criteria Version 2. Collection method: clinical testing. Allele origin: germline. Affected: yes. Observed: 1 variant allele.
Comment: IQCE: BP4, BS2

PreventionGenetics, part of Exact Sciences
Classification: Benign for IQCE-related condition. Last evaluated: 2019-05-24. Review status: no assertion criteria provided. Collection method: clinical testing. Allele origin: germline. Not counted in ClinVar's aggregate classification.
Comment: This variant is classified as benign based on ACMG/AMP sequence variant interpretation guidelines (Richards et al. 2015 PMID: 25741868, with internal and published modifications).

NM_152558.5(IQCE):c.1148G>T (p.Arg383Leu)

Gene: IQCE (IQ motif containing E; plus strand). Cytogenetic location: 7p22.3.
Variant type: single nucleotide variant.
Coding change: c.1148G>T on transcript NM_152558.5 (MANE Select); coding-DNA position 1148, G replaced by T.
Protein change: p.Arg383Leu; replaces arginine 383 with leucine.
Molecular consequence: missense variant.
Genome position (GRCh38, 1-based): chr7:2,590,010, G>T. VCF-style: chr7-2590010-G-T. GRCh37 (hg19) VCF-style: chr7-2629644-G-T.
Other names: c.1148G>T, p.Arg383Leu (NM_001287499.2); c.1100G>T, p.Arg367Leu (NM_001287500.2, NM_001410865.1); c.953G>T, p.Arg318Leu (NM_001287501.2, NM_001287502.2); short protein forms R318L, R367L, R383L.
Identifiers: ClinVar variation 3039032 (VCV003039032.16), dbSNP rs180961841, ClinGen allele CA4129053.
Genomic context (GRCh38, chr7:2,590,010, plus strand): 5'-CAGTCAGATCACACCCGCCAGCCTGCCTTGCATCCAGCTCTGCGCTGCACAGACAGCCAC[G>T]AGGGGACCGCAACAAGGACCACGAGCGTCTCCGAGGGGCTGTGAGAGACCTGAAGGAAGA-3'
Protein context (NP_689771.3, residues 373-393): ASSSALHRQP[Arg383Leu]GDRNKDHERL